The following is an entry in ClinVar:

NC_000008.10:g.(?_30998936)_(31030618_?)dup

Gene: WRN (WRN RecQ like helicase; plus strand). Cytogenetic location: 8p12.
Variant type: Duplication.
Identifiers: ClinVar variation 1010435 (VCV001010435.5).

ClinVar aggregate classification (germline): Uncertain significance (1 of 4 stars; one submission).

Conditions:
Werner syndrome (WRN). Identifiers: Orphanet 902, MedGen C0043119, MONDO:0010196, OMIM 277700.

Submission:

Labcorp Genetics (formerly Invitae), Labcorp
Classification: Uncertain significance for Werner syndrome. Last evaluated: 2020-08-18. Review status: criteria provided, single submitter. Criteria: Invitae Variant Classification Sherloc (09022015). Collection method: clinical testing. Allele origin: germline.
Comment: In summary, the available evidence is currently insufficient to determine the role of this variant in disease. Therefore, it has been classified as a Variant of Uncertain Significance. Experimental studies and prediction algorithms are not available or were not evaluated, and the functional significance of this variant is currently unknown. This variant has not been reported in the literature in individuals with WRN-related conditions. This variant results in a copy number gain of the genomic region encompassing exon(s) 25-35 of the WRN gene. The 5' boundary is likely confined to intron 24. The 3' end of this event is unknown as it extends beyond the assayed region for this gene and therefore may encompass additional genes. As the precise location of this event is unknown, it may be in tandem or it may be located elsewhere in the genome.